The following is an entry in ClinVar:

NM_152866.3(MS4A1):c.653G>A (p.Arg218Lys)

Gene: MS4A1 (membrane spanning 4-domains A1; plus strand). Cytogenetic location: 11q12.2.
Variant type: single nucleotide variant.
Coding change: c.653G>A on transcript NM_152866.3 (MANE Select); coding-DNA position 653, G replaced by A.
Protein change: p.Arg218Lys; replaces arginine 218 with lysine.
Molecular consequence: missense variant.
Genome position (GRCh38, 1-based): chr11:60,467,038, G>A. VCF-style: chr11-60467038-G-A. GRCh37 (hg19) VCF-style: chr11-60234511-G-A.
Other names: c.653G>A, p.Arg218Lys (NM_021950.4, NM_152867.2); short protein forms R218K.
Identifiers: ClinVar variation 2897176 (VCV002897176.3), dbSNP rs201238245, ClinGen allele CA6025049.

ClinVar aggregate classification (germline): Uncertain significance (1 of 4 stars; one submission).

Allele frequency attached by ClinVar (database versions not stated): TOPMed 0.00001; gnomAD 0.00001; ExAC 0.00010.

Submission:

Labcorp Genetics (formerly Invitae), Labcorp
Classification: Uncertain significance. Last evaluated: 2025-07-09. Review status: criteria provided, single submitter. Criteria: Invitae Variant Classification Sherloc (09022015). Collection method: clinical testing. Allele origin: germline.
Comment: This sequence change replaces arginine, which is basic and polar, with lysine, which is basic and polar, at codon 218 of the MS4A1 protein (p.Arg218Lys). This variant is present in population databases (rs201238245, gnomAD 0.07%), and has an allele count higher than expected for a pathogenic variant. This variant has not been reported in the literature in individuals affected with MS4A1-related conditions. ClinVar contains an entry for this variant (Variation ID: 2897176). An algorithm developed to predict the effect of missense changes on protein structure and function outputs the following: PolyPhen-2: "Benign". The lysine amino acid residue is found in multiple mammalian species, which suggests that this missense change does not adversely affect protein function. In summary, the available evidence is currently insufficient to determine the role of this variant in disease. Therefore, it has been classified as a Variant of Uncertain Significance.